The following is an entry in ClinVar:

ClinVar aggregate classification (germline): Uncertain significance. Review status: criteria provided, multiple submitters, no conflicts (2 of 4 stars). 3 submissions from 3 submitters: Uncertain significance (3). Last evaluated 2026-03-09.

Conditions:
Hereditary cancer-predisposing syndrome. Also called: Neoplastic Syndromes, Hereditary; Hereditary neoplastic syndrome; Tumor predisposition; Hereditary Cancer Syndrome. Identifiers: Orphanet 140162, MedGen C0027672, MeSH D009386, MONDO:0015356.
Familial adenomatous polyposis 1 (FAP1). Also called: FAMILIAL ADENOMATOUS POLYPOSIS 1, ATTENUATED; POLYPOSIS, ADENOMATOUS INTESTINAL. Identifiers: MedGen C2713442, MONDO:0021056, OMIM 175100. Disease mechanism: loss of function.

Allele frequency attached by ClinVar (database versions not stated): gnomAD exomes below 0.00001.
gnomAD v4.1: 3 of 1,613,036 alleles (0.00019%); highest among the groups gnomAD compares: East Asian, 0.0022%; no homozygotes.

Submissions (3):

Ambry Genetics
Classification: Uncertain significance for Hereditary cancer-predisposing syndrome. Last evaluated: 2026-03-09. Review status: criteria provided, single submitter. Criteria: Ambry Variant Classification Scheme 2023. Collection method: clinical testing. Allele origin: germline.
Comment: The p.D2153Y variant (also known as c.6457G>T), located in coding exon 15 of the APC gene, results from a G to T substitution at nucleotide position 6457. The aspartic acid at codon 2153 is replaced by tyrosine, an amino acid with highly dissimilar properties. This amino acid position is conserved. In addition, in silico predictors for this gene do not accurately predict pathogenicity. Based on the available evidence, the clinical significance of this variant remains unclear.

Mayo Clinic Laboratories, Mayo Clinic
Classification: Uncertain significance. Last evaluated: 2024-03-19. Review status: criteria provided, single submitter. Criteria: ACMG Guidelines, 2015. Collection method: clinical testing. Allele origin: germline. Observed: 1 variant allele.
Comment: BP1, PM2

Labcorp Genetics (formerly Invitae), Labcorp
Classification: Uncertain significance for Familial adenomatous polyposis 1. Last evaluated: 2021-02-05. Review status: criteria provided, single submitter. Criteria: Invitae Variant Classification Sherloc (09022015). Collection method: clinical testing. Allele origin: germline.
Comment: This sequence change replaces aspartic acid with tyrosine at codon 2153 of the APC protein (p.Asp2153Tyr). The aspartic acid residue is highly conserved and there is a large physicochemical difference between aspartic acid and tyrosine. This variant is not present in population databases (ExAC no frequency). This variant has not been reported in the literature in individuals with APC-related conditions. Algorithms developed to predict the effect of missense changes on protein structure and function (SIFT, PolyPhen-2, Align-GVGD) all suggest that this variant is likely to be disruptive, but these predictions have not been confirmed by published functional studies and their clinical significance is uncertain. In summary, the available evidence is currently insufficient to determine the role of this variant in disease. Therefore, it has been classified as a Variant of Uncertain Significance.

NM_000038.6(APC):c.6457G>T (p.Asp2153Tyr)

Gene: APC (APC regulator of Wnt signaling pathway; plus strand). Cytogenetic location: 5q22.2.
Variant type: single nucleotide variant.
Coding change: c.6457G>T on transcript NM_000038.6 (MANE Select); coding-DNA position 6457, G replaced by T.
Protein change: p.Asp2153Tyr; replaces aspartic acid 2153 with tyrosine.
Molecular consequence: missense variant.
Genome position (GRCh38, 1-based): chr5:112,842,051, G>T. VCF-style: chr5-112842051-G-T. GRCh37 (hg19) VCF-style: chr5-112177748-G-T.
Other names: p.Asp2153Tyr; c.6457G>T, p.Asp2153Tyr (NM_001127510.3, NM_001354895.2); c.6403G>T, p.Asp2135Tyr (NM_001127511.3); c.6511G>T, p.Asp2171Tyr (NM_001354896.2); c.6487G>T, p.Asp2163Tyr (NM_001354897.2); c.6382G>T, p.Asp2128Tyr (NM_001354898.2); c.6373G>T, p.Asp2125Tyr (NM_001354899.2); c.6334G>T, p.Asp2112Tyr (NM_001354900.2); and 6 more; short protein forms D2171Y, D1993Y, D2062Y, D2094Y, D2125Y, D2128Y, D2135Y, D2153Y.
Identifiers: ClinVar variation 640373 (VCV000640373.12), dbSNP rs1196287183, ClinGen allele CA16035458.